The following is an entry in ClinVar:

ClinVar aggregate classification (germline): Pathogenic (1 of 4 stars; one submission).

Conditions:
Baller-Gerold syndrome (BGS). Also called: CRANIOSYNOSTOSIS WITH RADIAL DEFECTS. Identifiers: Orphanet 1225, MedGen C0265308, MONDO:0009039, OMIM 218600.

Allele frequency attached by ClinVar (database versions not stated): TOPMed 0.00001.

Submission:

Labcorp Genetics (formerly Invitae), Labcorp
Classification: Pathogenic for Baller-Gerold syndrome. Last evaluated: 2022-06-13. Review status: criteria provided, single submitter. Criteria: Invitae Variant Classification Sherloc (09022015). Collection method: clinical testing. Allele origin: germline.
Comment: This sequence change creates a premature translational stop signal (p.Gln471*) in the RECQL4 gene. It is expected to result in an absent or disrupted protein product. Loss-of-function variants in RECQL4 are known to be pathogenic (PMID: 12734318, 12952869). For these reasons, this variant has been classified as Pathogenic. This variant has not been reported in the literature in individuals affected with RECQL4-related conditions. This variant is not present in population databases (gnomAD no frequency).

Literature cited by the submitters: PubMed 12734318; PubMed 12952869.

NM_004260.4(RECQL4):c.1411C>T (p.Gln471Ter)

Gene: RECQL4 (RecQ like helicase 4; minus strand). Cytogenetic location: 8q24.3.
Variant type: single nucleotide variant.
Coding change: c.1411C>T on transcript NM_004260.4 (MANE Select); coding-DNA position 1411, C replaced by T.
Protein change: p.Gln471Ter; replaces glutamine 471 with a stop codon.
Molecular consequence: nonsense.
Genome position (GRCh38, 1-based): chr8:144,515,222, G>A on the plus strand (C>T on the coding strand, the complement: RECQL4 is on the minus strand). VCF-style: chr8-144515222-G-A. GRCh37 (hg19) VCF-style: chr8-145740606-G-A.
Other names: c.1315C>T, p.Gln439Ter (NM_001413017.1, NM_001413020.1); c.1411C>T, p.Gln471Ter (NM_001413018.1, NM_001413019.1, NM_001413039.1 and 2 more transcripts); c.340C>T, p.Gln114Ter (NM_001413021.1, NM_001413022.1, NM_001413023.1 and 8 more transcripts); c.1282C>T, p.Gln428Ter (NM_001413025.1); c.274C>T, p.Gln92Ter (NM_001413041.1, NM_001413027.1, NM_001413030.1 and 2 more transcripts); c.-57C>T (NM_001413043.1); c.1060C>T, p.Gln354Ter (NM_001413029.1); short protein forms Q114*, Q354*, Q428*, Q439*, Q471*, Q92*.
Identifiers: ClinVar variation 2419715 (VCV002419715.5), dbSNP rs1827984690, ClinGen allele CA372684987.
Genomic context (GRCh38, chr8:144,515,222, plus strand): 5'-GCATGACTGCACGCTCCTGCCCAGGGCGAAAGGCTTGGTGCCCCAGCTGCTCCAGGGCCT[G>A]GAACACCTCAGCCGGCGTCTCTGCAGACACAGATGTTGATCACCATGACTTGAGTCACCC-3'